The following is an entry in ClinVar:

ClinVar aggregate classification (germline): Likely pathogenic. Review status: criteria provided, multiple submitters, no conflicts (2 of 4 stars). 2 submissions from 2 submitters: Likely pathogenic (2). Last evaluated 2024-04-01.

Conditions:
TTN-related disorder. Also called: TTN-related disorders; TTN-related condition; TTN-related disease.
Dilated cardiomyopathy 1G (CMD1G). Identifiers: Orphanet 154, MedGen C1858763, MONDO:0011400, OMIM 604145.
Autosomal recessive limb-girdle muscular dystrophy type 2J (LGMDR10). Also called: Limb-girdle muscular dystrophy, type 2J; MUSCULAR DYSTROPHY, LIMB-GIRDLE, AUTOSOMAL RECESSIVE 10. Identifiers: Orphanet 140922, MedGen C1837342, MONDO:0012127, OMIM 608807.

Submissions (2):

Labcorp Genetics (formerly Invitae), Labcorp
Classification: Likely pathogenic for Dilated cardiomyopathy 1G; Autosomal recessive limb-girdle muscular dystrophy type 2J. Last evaluated: 2024-04-01. Review status: criteria provided, single submitter. Criteria: Invitae Variant Classification Sherloc (09022015). Collection method: clinical testing. Allele origin: germline.
Comment: This sequence change affects a donor splice site in intron 167 of the TTN gene. It is expected to disrupt RNA splicing and likely results in a truncated or disrupted TTN protein. This variant is not present in population databases (gnomAD no frequency). This variant has not been reported in the literature in individuals affected with TTN-related conditions. Algorithms developed to predict the effect of sequence changes on RNA splicing suggest that this variant may disrupt the consensus splice site. This variant is located in the I band of TTN (PMID: 25589632). Truncating variants in this region have been reported in individuals affected with autosomal recessive centronuclear myopathy (PMID: 23975875, Invitae internal data). Truncating variants in this region have also been identified in individuals affected with autosomal dominant dilated cardiomyopathy and/or cardio-related conditions (PMID: 27869827, 32964742, Invitae internal data). In summary, the currently available evidence indicates that the variant is pathogenic, but additional data are needed to prove that conclusively. Therefore, this variant has been classified as Likely Pathogenic.

Blueprint Genetics
Classification: Likely pathogenic for TTN-related disorders. Last evaluated: 2019-03-27. Review status: criteria provided, single submitter. Criteria: ACMG Guidelines, 2015. Collection method: clinical testing. Allele origin: germline. Affected: yes. Observed: 1 variant allele.

Literature cited by the submitters: PubMed 25589632 (cited by Labcorp Genetics (formerly Invitae), Labcorp); PubMed 23975875 (cited by Labcorp Genetics (formerly Invitae), Labcorp); PubMed 27869827 (cited by Labcorp Genetics (formerly Invitae), Labcorp); PubMed 32964742 (cited by Labcorp Genetics (formerly Invitae), Labcorp).

NM_001267550.2(TTN):c.36202+1G>A

Gene: TTN (titin; minus strand). Cytogenetic location: 2q31.2.
Variant type: single nucleotide variant.
Coding change: c.36202+1G>A on transcript NM_001267550.2 (MANE Select); the canonical splice donor site of the intron after coding-DNA position 36202, G replaced by A.
Molecular consequence: splice donor variant. On other transcripts: intron variant (5).
Genome position (GRCh38, 1-based): chr2:178,664,653, C>T on the plus strand (G>A on the coding strand, the complement: TTN is on the minus strand). VCF-style: chr2-178664653-C-T. GRCh37 (hg19) VCF-style: chr2-179529380-C-T.
Other names: c.13283-22336G>A (NM_003319.4); c.13859-22336G>A (NM_133437.4); c.13658-22336G>A (NM_133432.3); c.31484-1598G>A (NM_133378.4); c.34265-1598G>A (NM_001256850.1).
Identifiers: ClinVar variation 2942100 (VCV002942100.4), dbSNP rs758622001, ClinGen allele CA349500661.
Genomic context (GRCh38, chr2:178,664,653, plus strand): 5'-GAAAAACATTTATACAAGAAAAGACATGTTCCCACCCCTCTAAGCTTCCAGCAAGATATA[C>T]CTTCATCAGGAAGGACTTCAGGCTTTCTGAGAGGAACCACAAGCGTTTTCTTTTCAGGGA-3'